The following is an entry in ClinVar:

ClinVar aggregate classification (germline): Likely benign. Review status: criteria provided, multiple submitters, no conflicts (2 of 4 stars). 2 submissions from 2 submitters: Likely benign (2). Last evaluated 2018-01-12.

Conditions:
Retinitis pigmentosa (RP). Identifiers: Orphanet 791, MedGen C0035334, MeSH D012174, MONDO:0019200, OMIM 268000. Inheritance: Autosomal dominant, autosomal recessive and X linked inheritance.

Allele frequency attached by ClinVar (database versions not stated): gnomAD exomes 0.00076 and 0.00119; ExAC 0.00121; gnomAD 0.00183; ESP Exome Variant Server 0.00208; TOPMed 0.00216; 1000 Genomes Project 0.00319; 1000 Genomes Project 30x 0.00375.
gnomAD v4.1: 1,435 of 1,611,670 alleles (0.089%); highest among the groups gnomAD compares: Middle Eastern, 0.74%; 5 homozygotes.

Submissions (2):

Illumina Laboratory Services, Illumina
Classification: Likely benign for Retinitis pigmentosa. Last evaluated: 2018-01-12. Review status: criteria provided, single submitter. Criteria: ICSL Variant Classification Criteria 13 December 2019. Collection method: clinical testing. Allele origin: germline.
Comment: This variant was observed in the ICSL laboratory as part of a predisposition screen in an ostensibly healthy population. It had not been previously curated by ICSL or reported in the Human Gene Mutation Database (HGMD: prior to June 1st, 2018), and was therefore a candidate for classification through an automated scoring system. Utilizing variant allele frequency, disease prevalence and penetrance estimates, and inheritance mode, an automated score was calculated to assess if this variant is too frequent to cause the disease. Based on the score and internal cut-off values, a variant classified as likely benign is not then subjected to further curation. The score for this variant resulted in a classification of likely benign for this disease.

Breakthrough Genomics
Classification: Likely benign. Review status: criteria provided, single submitter. Criteria: ACMG Guidelines, 2015. Collection method: not provided. Allele origin: germline. Inheritance: Unknown mechanism. Affected: yes.

NM_014014.5(SNRNP200):c.*37A>G

Gene: SNRNP200 (small nuclear ribonucleoprotein U5 subunit 200; minus strand). Cytogenetic location: 2q11.2.
Variant type: single nucleotide variant.
Coding change: c.*37A>G on transcript NM_014014.5 (MANE Select); 37 bases downstream of the stop codon, A replaced by G.
Molecular consequence: 3 prime UTR variant.
Genome position (GRCh38, 1-based): chr2:96,274,975, T>C on the plus strand (A>G on the coding strand, the complement: SNRNP200 is on the minus strand). VCF-style: chr2-96274975-T-C. GRCh37 (hg19) VCF-style: chr2-96940713-T-C.
Identifiers: ClinVar variation 898979 (VCV000898979.5), dbSNP rs189361486, ClinGen allele CA1777715.